The following is an entry in ClinVar:

ClinVar aggregate classification (germline): Uncertain significance. Review status: criteria provided, multiple submitters, no conflicts (2 of 4 stars). 10 submissions from 10 submitters: Uncertain significance (6). 4 of the submissions do not count toward it. Last evaluated 2025-07-23.

Conditions:
JUP-related disorder. Also called: JUP-related condition.
Cardiovascular phenotype. Identifiers: MedGen CN230736.
Arrhythmogenic right ventricular dysplasia 12. Also called: ARRHYTHMOGENIC RIGHT VENTRICULAR DYSPLASIA, FAMILIAL, 12. Identifiers: MedGen C1969081, MONDO:0012684, OMIM 611528.
Naxos disease (NXD). Also called: CARDIOMYOPATHY, ARRHYTHMOGENIC RIGHT VENTRICULAR, WITH SKIN, HAIR, AND NAIL ABNORMALITIES; PALMOPLANTAR KERATODERMA WITH ARRHYTHMOGENIC RIGHT VENTRICULAR CARDIOMYOPATHY AND WOOLLY HAIR; WOOLLY HAIR, PALMOPLANTAR KERATODERMA, AND CARDIAC ABNORMALITIES; KERATOSIS PALMOPLANTARIS WITH ARRHYTHMOGENIC CARDIOMYOPATHY; MAL DE NAXOS. Identifiers: Orphanet 34217, MedGen C1832600, MONDO:0011017, OMIM 601214.

Allele frequency attached by ClinVar (database versions not stated): gnomAD exomes 0.00002 and 0.00001; gnomAD 0.00003 and 0.00004; TOPMed 0.00004; ESP Exome Variant Server 0.00008; ExAC 0.00001.
gnomAD v4.1: 30 of 1,613,136 alleles (0.0019%); highest among the groups gnomAD compares: African/African-American, 0.0067%; no homozygotes.

Submissions (10):

Labcorp Genetics (formerly Invitae), Labcorp
Classification: Uncertain significance for Arrhythmogenic right ventricular dysplasia 12; Naxos disease. Last evaluated: 2025-07-23. Review status: criteria provided, single submitter. Criteria: Invitae Variant Classification Sherloc (09022015). Collection method: clinical testing. Allele origin: germline.
Comment: This sequence change replaces threonine, which is neutral and polar, with methionine, which is neutral and non-polar, at codon 249 of the JUP protein (p.Thr249Met). This variant is present in population databases (rs377612199, gnomAD 0.004%). This missense change has been observed in individual(s) with dilated cardiomyopathy (PMID: 32880476). ClinVar contains an entry for this variant (Variation ID: 191674). An algorithm developed to predict the effect of missense changes on protein structure and function (PolyPhen-2) suggests that this variant is likely to be disruptive. In summary, the available evidence is currently insufficient to determine the role of this variant in disease. Therefore, it has been classified as a Variant of Uncertain Significance.

Blueprint Genetics
Classification: Uncertain significance. Last evaluated: 2024-10-17. Review status: criteria provided, single submitter. Criteria: ACMG Guidelines, 2015. Collection method: clinical testing. Allele origin: germline.

Ambry Genetics
Classification: Uncertain significance for Cardiovascular phenotype. Last evaluated: 2023-12-12. Review status: criteria provided, single submitter. Criteria: Ambry Variant Classification Scheme 2023. Collection method: clinical testing. Allele origin: germline.
Comment: The p.T249M variant (also known as c.746C>T), located in coding exon 4 of the JUP gene, results from a C to T substitution at nucleotide position 746. The threonine at codon 249 is replaced by methionine, an amino acid with similar properties. This variant has been reported in a family with catecholaminergic polymorphic ventricular tachycardia (CPVT) that also carried variants in other cardiac-related genes (Gray B et al. Heart Rhythm, 2016 Aug;13:1652-60). This alteration has also been reported in a dilated cardiomyopathy (DCM) cohort (Verdonschot JAJ et al. Circ Genom Precis Med, 2020 Oct;13:476-487). This alteration has also been reported as a secondary cardiac variant in an exome cohort and in a cardiomyopathy/arrhythmia genetic testing cohort; however, clinical details are limited (Ng D et al. Circ Cardiovasc Genet, 2013 Aug;6:337-46). This amino acid position is highly conserved in available vertebrate species. In addition, this alteration is predicted to be deleterious by in silico analysis. Since supporting evidence is limited at this time, the clinical significance of this alteration remains unclear.

AiLife Diagnostics
Classification: Uncertain significance. Last evaluated: 2021-12-27. Review status: criteria provided, single submitter. Criteria: ACMG Guidelines, 2015. Collection method: clinical testing. Allele origin: germline. Affected: yes. Observed: 1 variant allele.

Fulgent Genetics
Classification: Uncertain significance for Naxos disease; Arrhythmogenic right ventricular dysplasia 12. Last evaluated: 2021-09-07. Review status: criteria provided, single submitter. Criteria: ACMG Guidelines, 2015. Collection method: clinical testing. Allele origin: unknown.

Biesecker Lab/Clinical Genomics Section, National Institutes of Health
Classification: Uncertain significance. Last evaluated: 2013-06-24. Review status: criteria provided, single submitter. Criteria: Ng et al. (Circ Cardiovasc Genet. 2013). Collection method: research. Allele origin: unknown. Observed: 1 variant allele. Study: ClinSeq.
Comment: The study set was not selected for affection status in relation to any cancer. Pathogenicity categories were based on literature curation. See Pubmed ID:23861362 for details.

Medical sequencing

PreventionGenetics, part of Exact Sciences
Classification: Uncertain significance for JUP-related condition. Last evaluated: 2023-12-26. Review status: no assertion criteria provided. Collection method: clinical testing. Allele origin: germline. Not counted in ClinVar's aggregate classification.
Comment: The JUP c.746C>T variant is predicted to result in the amino acid substitution p.Thr249Met. This variant has been observed, along with two other variants in TTN and DSG2 genes, in an individual from a cohort of patients with dilated cardiomyopathy (Table S4, Verdonschot et al. 2020. PubMed ID: 32880476). This variant is reported in 0.0040% of alleles in individuals of African descent in gnomAD. At this time, the clinical significance of this variant is uncertain due to the absence of conclusive functional and genetic evidence.

Clinical Genetics, Academic Medical Center
Classification: Uncertain significance. Review status: no assertion criteria provided. Collection method: clinical testing. Allele origin: germline. Affected: yes. Study: VKGL Data-share Consensus. Not counted in ClinVar's aggregate classification.

Diagnostic Laboratory, Department of Genetics, University Medical Center Groningen
Classification: Uncertain significance. Review status: no assertion criteria provided. Collection method: clinical testing. Allele origin: germline. Affected: yes. Study: VKGL Data-share Consensus. Not counted in ClinVar's aggregate classification.

Joint Genome Diagnostic Labs from Nijmegen and Maastricht, Radboudumc and MUMC+
Classification: Uncertain significance. Review status: no assertion criteria provided. Collection method: clinical testing. Allele origin: germline. Affected: yes. Study: VKGL Data-share Consensus. Not counted in ClinVar's aggregate classification.

Literature cited by the submitters: PubMed 32880476 (cited by 3 submitters); PubMed 23861362 (cited by Ambry Genetics); PubMed 27157848 (cited by Ambry Genetics); PubMed 30847666 (cited by Ambry Genetics).

NM_002230.4(JUP):c.746C>T (p.Thr249Met)

Gene: JUP (junction plakoglobin; minus strand). Cytogenetic location: 17q21.2.
Variant type: single nucleotide variant.
Coding change: c.746C>T on transcript NM_002230.4 (MANE Select); coding-DNA position 746, C replaced by T.
Protein change: p.Thr249Met; replaces threonine 249 with methionine.
Molecular consequence: missense variant.
Genome position (GRCh38, 1-based): chr17:41,767,542, G>A on the plus strand (C>T on the coding strand, the complement: JUP is on the minus strand). VCF-style: chr17-41767542-G-A. GRCh37 (hg19) VCF-style: chr17-39923794-G-A.
Other names: c.746C>T, p.Thr249Met (NM_001352773.2, NM_001352774.2, NM_001352775.2 and 3 more transcripts); c.746C>T (NM_021991.2); short protein forms T249M.
Identifiers: ClinVar variation 191674 (VCV000191674.18), dbSNP rs377612199, ClinGen allele CA237225.